The following is an entry in ClinVar:

NM_002471.4(MYH6):c.4349A>C (p.Asn1450Thr)

Gene: MYH6 (myosin heavy chain 6; minus strand). Cytogenetic location: 14q11.2.
Variant type: single nucleotide variant.
Coding change: c.4349A>C on transcript NM_002471.4 (MANE Select); coding-DNA position 4349, A replaced by C.
Protein change: p.Asn1450Thr; replaces asparagine 1450 with threonine.
Molecular consequence: missense variant.
Genome position (GRCh38, 1-based): chr14:23,388,165, T>G on the plus strand (A>C on the coding strand, the complement: MYH6 is on the minus strand). VCF-style: chr14-23388165-T-G. GRCh37 (hg19) VCF-style: chr14-23857374-T-G.
Other names: short protein forms N1450T.
Identifiers: ClinVar variation 850909 (VCV000850909.18), dbSNP rs1005724382, ClinGen allele CA257780713.

ClinVar aggregate classification (germline): Conflicting classifications of pathogenicity. Review status: criteria provided, conflicting classifications (1 of 4 stars). 5 submissions from 5 submitters: Uncertain significance (4); Likely benign (1). Last evaluated 2024-05-10.

Conditions:
Cardiovascular phenotype. Identifiers: MedGen CN230736.
Hypertrophic cardiomyopathy 14. Identifiers: MedGen C2750467, MONDO:0013197, OMIM 613251.
Hypertrophic cardiomyopathy 1 (CMH1). Also called: Familial hypertrophic cardiomyopathy 1; MYH7-Related Familial Hypertrophic Cardiomyopathy. Identifiers: MedGen C3495498, MONDO:0008647, OMIM 192600.
Sick sinus syndrome 3, susceptibility to (SSS3). Identifiers: Orphanet 166282, MedGen C3279791, MONDO:0013568, OMIM 614090.
Dilated cardiomyopathy 1EE (CMD1EE). Identifiers: Orphanet 154, MedGen C2750466, MONDO:0013198, OMIM 613252.
Atrial septal defect 3 (ASD3). Identifiers: Orphanet 1478, MedGen C3279790, MONDO:0013567, OMIM 614089.

Allele frequency attached by ClinVar (database versions not stated): gnomAD 0.00001 and 0.00002; gnomAD exomes 0.00001; TOPMed 0.00001.
gnomAD v4.1: 14 of 1,612,144 alleles (0.00087%); highest among the groups gnomAD compares: Non-Finnish European, 0.0011%; no homozygotes.

Submissions (5):

Blueprint Genetics
Classification: Likely benign. Last evaluated: 2024-05-10. Review status: criteria provided, single submitter. Criteria: ACMG Guidelines, 2015. Collection method: clinical testing. Allele origin: germline.

Ambry Genetics
Classification: Uncertain significance for Cardiovascular phenotype. Last evaluated: 2024-03-09. Review status: criteria provided, single submitter. Criteria: Ambry Variant Classification Scheme 2023. Collection method: clinical testing. Allele origin: germline.
Comment: The p.N1450T variant (also known as c.4349A>C), located in coding exon 28 of the MYH6 gene, results from an A to C substitution at nucleotide position 4349. The asparagine at codon 1450 is replaced by threonine, an amino acid with similar properties. This amino acid position is conserved. In addition, this alteration is predicted to be tolerated by in silico analysis. Based on the available evidence, the clinical significance of this alteration remains unclear.

Labcorp Genetics (formerly Invitae), Labcorp
Classification: Uncertain significance for Hypertrophic cardiomyopathy 14. Last evaluated: 2022-06-13. Review status: criteria provided, single submitter. Criteria: Invitae Variant Classification Sherloc (09022015). Collection method: clinical testing. Allele origin: germline.
Comment: ClinVar contains an entry for this variant (Variation ID: 850909). In summary, the available evidence is currently insufficient to determine the role of this variant in disease. Therefore, it has been classified as a Variant of Uncertain Significance. Algorithms developed to predict the effect of missense changes on protein structure and function (SIFT, PolyPhen-2, Align-GVGD) all suggest that this variant is likely to be tolerated. This variant has not been reported in the literature in individuals affected with MYH6-related conditions. This variant is present in population databases (no rsID available, gnomAD 0.01%). This sequence change replaces asparagine, which is neutral and polar, with threonine, which is neutral and polar, at codon 1450 of the MYH6 protein (p.Asn1450Thr).

Fulgent Genetics
Classification: Uncertain significance for Hypertrophic cardiomyopathy 1; Hypertrophic cardiomyopathy 14; Dilated cardiomyopathy 1EE; Atrial septal defect 3; Sick sinus syndrome 3, susceptibility to. Last evaluated: 2021-10-04. Review status: criteria provided, single submitter. Criteria: ACMG Guidelines, 2015. Collection method: clinical testing. Allele origin: unknown.

Revvity Omics, Revvity
Classification: Uncertain significance. Last evaluated: 2021-03-26. Review status: criteria provided, single submitter. Criteria: ACMG Guidelines, 2015. Collection method: clinical testing. Allele origin: germline.